The following is an entry in ClinVar:

ClinVar aggregate classification (germline): Uncertain significance (1 of 4 stars; one submission).

Submission:

Ambry Genetics
Classification: Uncertain significance. Last evaluated: 2025-11-15. Review status: criteria provided, single submitter. Criteria: Ambry Variant Classification Scheme 2023. Collection method: clinical testing. Allele origin: germline.
Comment: The p.K198E variant (also known as c.592A>G), located in coding exon 4 of the TMPO gene, results from an A to G substitution at nucleotide position 592. The lysine at codon 198 is replaced by glutamic acid, an amino acid with similar properties. This amino acid position is conserved. In addition, this alteration is predicted to be tolerated by in silico analysis. Based on the available evidence, the clinical significance of this variant remains unclear.

NM_001032283.3(TMPO):c.565+1011A>G

Gene: TMPO (thymopoietin; plus strand). Cytogenetic location: 12q23.1.
Variant type: single nucleotide variant.
Coding change: c.565+1011A>G on transcript NM_001032283.3 (MANE Select); 1011 bases into the intron after coding-DNA position 565, A replaced by G.
Molecular consequence: intron variant. On other transcripts: missense variant (1).
Genome position (GRCh38, 1-based): chr12:98,532,849, A>G. VCF-style: chr12-98532849-A-G. GRCh37 (hg19) VCF-style: chr12-98926627-A-G.
Other names: c.592A>G, p.Lys198Glu (NM_003276.2); c.565+1011A>G (NM_001307975.2, NM_001032284.3); short protein forms K198E.
Identifiers: ClinVar variation 4597025 (VCV004597025.1).